The following is an entry in ClinVar:

NM_014000.3(VCL):c.1575A>C (p.Glu525Asp)

Gene: VCL (vinculin; plus strand). Cytogenetic location: 10q22.2.
Variant type: single nucleotide variant.
Coding change: c.1575A>C on transcript NM_014000.3 (MANE Select); coding-DNA position 1575, A replaced by C.
Protein change: p.Glu525Asp; replaces glutamic acid 525 with aspartic acid.
Molecular consequence: missense variant.
Genome position (GRCh38, 1-based): chr10:74,095,687, A>C. VCF-style: chr10-74095687-A-C. GRCh37 (hg19) VCF-style: chr10-75855445-A-C.
Other names: c.1575A>C, p.Glu525Asp (NM_003373.4); short protein forms E525D.
Identifiers: ClinVar variation 179950 (VCV000179950.20), dbSNP rs548487697, ClinGen allele CA185493.
Genomic context (GRCh38, chr10:74,095,687, plus strand): 5'-TAAGTTTCATTGTTTTTCTCTTGGTCCAGGTCAGGCTGCCATCCGGGGGCTTGTGGCCGA[A>C]GGGCATCGTCTGGCTAATGTTATGATGGGGCCTTATCGGCAAGATCTTCTCGCCAAGTGT-3'
Protein context (NP_054706.1, residues 515-535): GQAAIRGLVA[Glu525Asp]GHRLANVMMG

ClinVar aggregate classification (germline): Conflicting classifications of pathogenicity. Review status: criteria provided, conflicting classifications (1 of 4 stars). 5 submissions from 5 submitters: Uncertain significance (2); Benign (1); Likely benign (2). Last evaluated 2025-12-26.

Conditions:
Cardiovascular phenotype. Identifiers: MedGen CN230736.
Dilated cardiomyopathy 1W (CMD1W). Identifiers: Orphanet 154, MedGen C1969639, MONDO:0012667, OMIM 611407.
Hypertrophic cardiomyopathy. Also called: HYPERTROPHIC MYOCARDIOPATHY. Identifiers: Orphanet 217569, MedGen C0007194, MeSH D002312, MONDO:0005045, HP:0001639.

Allele frequency attached by ClinVar (database versions not stated): gnomAD below 0.00001 and 0.00006; TOPMed 0.00003; gnomAD exomes 0.00017 and 0.00038; 1000 Genomes Project 0.00040; ExAC 0.00045; 1000 Genomes Project 30x 0.00047.
gnomAD v4.1: 262 of 1,614,134 alleles (0.016%); highest among the groups gnomAD compares: South Asian, 0.28%; 1 homozygote.

Submissions (5):

Labcorp Genetics (formerly Invitae), Labcorp
Classification: Likely benign for Dilated cardiomyopathy 1W. Last evaluated: 2025-12-26. Review status: criteria provided, single submitter. Criteria: Invitae Variant Classification Sherloc (09022015). Collection method: clinical testing. Allele origin: germline.

Blueprint Genetics
Classification: Likely benign. Last evaluated: 2023-12-04. Review status: criteria provided, single submitter. Criteria: ACMG Guidelines, 2015. Collection method: clinical testing. Allele origin: germline.

Ambry Genetics
Classification: Benign for Cardiovascular phenotype. Last evaluated: 2022-08-09. Review status: criteria provided, single submitter. Criteria: Ambry Variant Classification Scheme 2023. Collection method: clinical testing. Allele origin: germline.

Laboratory for Molecular Medicine, Mass General Brigham Personalized Medicine
Classification: Uncertain significance. Last evaluated: 2014-08-21. Review status: criteria provided, single submitter. Criteria: LMM Criteria. Collection method: clinical testing. Allele origin: germline. Observed: 1 variant allele.
Comment: The Glu525Asp variant in VCL gene has not been previously reported in individual s with cardiomyopathy or in large population studies. Computational prediction t ools and conservation analysis do not provide strong support for or against an i mpact to the protein. In summary, the clinical significance of the Glu525Asp var iant is uncertain.

Genetics and Genomics Program, Sidra Medicine
Classification: Uncertain significance for Hypertrophic cardiomyopathy. Review status: criteria provided, single submitter. Criteria: ACMG Guidelines, 2015. Collection method: research. Allele origin: unknown. Affected: yes. Observed: 1 variant allele.